The following is an entry in ClinVar:

ClinVar aggregate classification (germline): Uncertain significance. Review status: criteria provided, multiple submitters, no conflicts (2 of 4 stars). 3 submissions from 3 submitters: Uncertain significance (2). 1 of the submissions does not count toward it. Last evaluated 2025-12-01.

Conditions:
VWF-related disorder. Also called: VWF-related disorders; VWF-related condition.

Allele frequency attached by ClinVar (database versions not stated): TOPMed 0.00029; ESP Exome Variant Server 0.00038.
gnomAD v4.1: 136 of 1,614,152 alleles (0.0084%); highest among the groups gnomAD compares: Admixed American, 0.093%; no homozygotes.

Submissions (3):

Women's Health and Genetics/Laboratory Corporation of America, LabCorp
Classification: Uncertain significance. Last evaluated: 2025-12-01. Review status: criteria provided, single submitter. Criteria: LabCorp Variant Classification Summary - May 2015. Collection method: clinical testing. Allele origin: germline.
Comment: Variant summary: VWF c.5177G>A (p.Arg1726His) results in a non-conservative amino acid change in the encoded protein sequence. Algorithms developed to predict the effect of missense changes on protein structure and function are either unavailable or do not agree on the potential impact of this missense change. The variant allele was found at a frequency of 0.00022 in 251490 control chromosomes. This frequency is not significantly higher than estimated for disease-causing variants in VWF, allowing no conclusion about variant significance. c.5177G>A has been observed in individual(s) affected with an unspecified bleeding disorder (Baz_2021). This report does not provide unequivocal conclusions about association of the variant with Von Willebrand Disease. To our knowledge, no experimental evidence demonstrating an impact on protein function has been reported. The following publication has been ascertained in the context of this evaluation (PMID: 34272389). ClinVar contains an entry for this variant (Variation ID: 994158). Based on the evidence outlined above, the variant was classified as uncertain significance.

ARUP Laboratories, Molecular Genetics and Genomics, ARUP Laboratories
Classification: Uncertain significance. Last evaluated: 2019-10-15. Review status: criteria provided, single submitter. Criteria: ARUP Molecular Germline Variant Investigation Process. Collection method: clinical testing. Allele origin: germline.
Comment: The VWF c.5177G>A; p.Arg1726His variant (rs147313320), to our knowledge, is not reported in the medical literature or gene specific databases. This variant is found in the Latino population with an allele frequency of 0.12% (43/35440 alleles) in the Genome Aggregation Database. The arginine at codon 1726 is weakly conserved, and computational analyses (SIFT, PolyPhen-2) predict that this variant is tolerated. Due to limited information, the clinical significance of the p.Arg1726His variant is uncertain at this time.

PreventionGenetics, part of Exact Sciences
Classification: Uncertain significance for VWF-related condition. Last evaluated: 2024-05-22. Review status: no assertion criteria provided. Collection method: clinical testing. Allele origin: germline. Not counted in ClinVar's aggregate classification.
Comment: The VWF c.5177G>A variant is predicted to result in the amino acid substitution p.Arg1726His. To our knowledge, this variant has not been reported in the literature. This variant is reported in 0.12% of alleles in individuals of Latino descent in gnomAD. At this time, the clinical significance of this variant is uncertain due to the absence of conclusive functional and genetic evidence.

Literature cited by the submitters: PubMed 34272389 (cited by Women's Health and Genetics/Laboratory Corporation of America, LabCorp).

NM_000552.5(VWF):c.5177G>A (p.Arg1726His)

Gene: VWF (von Willebrand factor; minus strand). Cytogenetic location: 12p13.31.
Variant type: single nucleotide variant.
Coding change: c.5177G>A on transcript NM_000552.5 (MANE Select); coding-DNA position 5177, G replaced by A.
Protein change: p.Arg1726His; replaces arginine 1726 with histidine.
Molecular consequence: missense variant.
Genome position (GRCh38, 1-based): chr12:6,016,650, C>T on the plus strand (G>A on the coding strand, the complement: VWF is on the minus strand). VCF-style: chr12-6016650-C-T. GRCh37 (hg19) VCF-style: chr12-6125816-C-T.
Other names: c.5177G>A (NM_000552.4); short protein forms R1726H.
Identifiers: ClinVar variation 994158 (VCV000994158.13), dbSNP rs147313320, ClinGen allele CA6402353.